The following is an entry in ClinVar:

ClinVar aggregate classification (germline): Pathogenic/Likely pathogenic. Review status: criteria provided, multiple submitters, no conflicts (2 of 4 stars). 9 submissions from 9 submitters: Pathogenic (5); Likely pathogenic (2). 2 of the submissions do not count toward it. Last evaluated 2026-05-11.

Conditions:
Ichthyosis and erythrokeratoderma.
Autosomal recessive congenital ichthyosis 1 (LI1). Also called: ICHTHYOSIS CONGENITA; ICHTHYOSIS CONGENITA II; LAMELLAR EXFOLIATION OF NEWBORN; ICHTHYOSIS, CONGENITAL, AUTOSOMAL RECESSIVE 1, WITH BATHING SUIT DISTRIBUTION; ICHTHYOSIS, CONGENITAL, AUTOSOMAL RECESSIVE 1, WITH OR WITHOUT BATHING SUIT DISTRIBUTION; COLLODION FETUS. Identifiers: MedGen C4551630, MONDO:0009441, OMIM 242300.
Abnormality of the skin. Identifiers: MedGen C5848159, HP:0000951.

Allele frequency attached by ClinVar (database versions not stated): gnomAD exomes 0.00002 and 0.00001; gnomAD 0.00001.
gnomAD v4.1: 24 of 1,613,930 alleles (0.0015%); highest among the groups gnomAD compares: East Asian, 0.0022%; no homozygotes.

Submissions (9):

Genetics Laboratory, Great Ormond Street Hospital NHS Foundation Trust, North Thames Genomic Laboratory Hub
Classification: Likely pathogenic for Ichthyosis and erythrokeratoderma. Last evaluated: 2026-05-11. Review status: criteria provided, single submitter. Criteria: ACGS Best Practice Guidelines for Variant Classification in Rare Disease 2024 v1.2. Collection method: clinical testing. Allele origin: germline. Affected: yes.
Comment: PM2_moderate, PP3_moderate, PM5_moderate, PS3_supporting, PM3_moderate

Natera, Inc.
Classification: Pathogenic for Autosomal recessive congenital ichthyosis type 1. Last evaluated: 2025-11-28. Review status: criteria provided, single submitter. Criteria: Natera Variant Classification Schema (03/2026). Collection method: clinical testing. Allele origin: germline.
Comment: The c.428G>A variant in TGM1 is a missense variant predicted to cause substitution of arginine to histidine at amino acid 143. This variant is rare in the general population with a frequency below the threshold expected for the associated phenotype(s). This variant has been observed in one or more individuals affected with the associated recessive disease, as either homozygous or compound heterozygous with a second variant (PMID: 31168818). Given the available evidence, this variant is classified as Pathogenic.

3billion
Classification: Pathogenic for Autosomal recessive congenital ichthyosis 1. Last evaluated: 2025-05-23. Review status: criteria provided, single submitter. Criteria: ACMG Guidelines, 2015. Collection method: clinical testing. Allele origin: germline. Affected: yes.
Comment: The variant is observed at an extremely low frequency in the gnomAD v4.1.0 dataset (total allele frequency: 0.001%). Predicted Consequence/Location: Missense variant In silico tool predictions suggest damaging effect of the variant on gene or gene product [REVEL: 0.93 (>=0.6, sensitivity 0.68 and specificity 0.92); 3Cnet: 0.99 (> 0.75, sensitivity 0.96 and precision 0.92)]. The same nucleotide change resulting in the same amino acid change has been previously reported as pathogenic/likely pathogenic with strong evidence (ClinVar ID: VCV000012481 /PMID: 7773290). The variant has been reported to co-segregate with the disease in at least one similarly affected relative/individual in the same family or similarly affected unrelated families (PMID: 7773290). Different missense changes at the same codon (p.Arg143Cys, p.Arg143Gly, p.Arg143Leu) have been reported as pathogenic/likely pathogenic with strong evidence (ClinVar ID: VCV000372531, VCV000452009 /PMID: 31168818, 9326318). Therefore, this variant is classified as Pathogenic according to the recommendation of ACMG/AMP guideline.

Revvity Omics, Revvity
Classification: Pathogenic for Autosomal recessive congenital ichthyosis 1. Last evaluated: 2024-03-25. Review status: criteria provided, single submitter. Criteria: ACMG Guidelines, 2015. Collection method: clinical testing. Allele origin: germline.

Labcorp Genetics (formerly Invitae), Labcorp
Classification: Pathogenic. Last evaluated: 2023-03-03. Review status: criteria provided, single submitter. Criteria: Invitae Variant Classification Sherloc (09022015). Collection method: clinical testing. Allele origin: germline.
Comment: This sequence change replaces arginine, which is basic and polar, with histidine, which is basic and polar, at codon 143 of the TGM1 protein (p.Arg143His). This variant is present in population databases (rs121918719, gnomAD 0.004%). This missense change has been observed in individuals with autosomal recessive congenital ichthyosis (PMID: 27025581, 31168818). ClinVar contains an entry for this variant (Variation ID: 12481). Advanced modeling of protein sequence and biophysical properties (such as structural, functional, and spatial information, amino acid conservation, physicochemical variation, residue mobility, and thermodynamic stability) performed at Invitae indicates that this missense variant is expected to disrupt TGM1 protein function. Experimental studies have shown that this missense change affects TGM1 function (PMID: 9593710). This variant disrupts the p.Arg143 amino acid residue in TGM1. Other variant(s) that disrupt this residue have been determined to be pathogenic (PMID: 9326318, 26220141, 28403434). This suggests that this residue is clinically significant, and that variants that disrupt this residue are likely to be disease-causing. For these reasons, this variant has been classified as Pathogenic.

Kariminejad - Najmabadi Pathology & Genetics Center
Classification: Pathogenic for Abnormality of the skin. Last evaluated: 2021-07-10. Review status: criteria provided, single submitter. Criteria: ACMG Guidelines, 2015. Collection method: clinical testing. Allele origin: germline. Affected: yes.

Genome-Nilou Lab
Classification: Likely pathogenic for Autosomal recessive congenital ichthyosis 1. Review status: criteria provided, single submitter. Criteria: ACMG Guidelines, 2015. Collection method: clinical testing. Allele origin: germline.

Counsyl
Classification: Likely pathogenic for Autosomal recessive congenital ichthyosis 1. Last evaluated: 2017-01-10. Review status: no assertion criteria provided. Collection method: clinical testing. Allele origin: unknown. Not counted in ClinVar's aggregate classification.

OMIM
Classification: Pathogenic for ICHTHYOSIS, CONGENITAL, AUTOSOMAL RECESSIVE 1, WITH OR WITHOUT BATHING SUIT DISTRIBUTION. Last evaluated: 2006-11-01. Review status: no assertion criteria provided. Collection method: literature only. Allele origin: germline. Not counted in ClinVar's aggregate classification.

Literature cited by the submitters: PubMed 31168818 (cited by 3 submitters); PubMed 7773290 (cited by 3 submitters); PubMed 27025581 (cited by Labcorp Genetics (formerly Invitae), Labcorp and Counsyl); PubMed 9593710 (cited by Labcorp Genetics (formerly Invitae), Labcorp and Counsyl); PubMed 9326318 (cited by Labcorp Genetics (formerly Invitae), Labcorp); PubMed 26220141 (cited by Labcorp Genetics (formerly Invitae), Labcorp); PubMed 28403434 (cited by Labcorp Genetics (formerly Invitae), Labcorp); PubMed 19241467 (cited by Counsyl); PubMed 22437313 (cited by Counsyl); PubMed 16968736 (cited by Counsyl and OMIM).

NM_000359.3(TGM1):c.428G>A (p.Arg143His)

Gene: TGM1 (transglutaminase 1; minus strand). Cytogenetic location: 14q12.
Variant type: single nucleotide variant.
Coding change: c.428G>A on transcript NM_000359.3 (MANE Select); coding-DNA position 428, G replaced by A.
Protein change: p.Arg143His; replaces arginine 143 with histidine.
Molecular consequence: missense variant.
Genome position (GRCh38, 1-based): chr14:24,261,775, C>T on the plus strand (G>A on the coding strand, the complement: TGM1 is on the minus strand). VCF-style: chr14-24261775-C-T. GRCh37 (hg19) VCF-style: chr14-24730981-C-T.
Other names: R142H; short protein forms R143H.
Identifiers: ClinVar variation 12481 (VCV000012481.51), dbSNP rs121918719, ClinGen allele CA256459.